The following is an entry in ClinVar:

NC_000006.11:g.(?_43571609)_(43573076_?)del

Gene: POLH (DNA polymerase eta; plus strand). Cytogenetic location: 6p21.1.
Variant type: Deletion.
Identifiers: ClinVar variation 3246206 (VCV003246206.1).

ClinVar aggregate classification (germline): Pathogenic (1 of 4 stars; one submission).

Submission:

Labcorp Genetics (formerly Invitae), Labcorp
Classification: Pathogenic. Last evaluated: 2023-10-07. Review status: criteria provided, single submitter. Criteria: Invitae Variant Classification Sherloc (09022015). Collection method: clinical testing. Allele origin: unknown.
Comment: This variant is a gross deletion of the genomic region encompassing exon(s) 7-9 of the POLH gene. This deletion is out-of-frame, and is expected to create a premature termination codon and result in an absent or disrupted protein product. Loss-of-function variants in POLH are known to be pathogenic (PMID: 11773631, 24130121, 25256075). This variant has not been reported in the literature in individuals affected with POLH-related conditions. For these reasons, this variant has been classified as Pathogenic.

Literature cited by the submitters: PubMed 11773631; PubMed 24130121; PubMed 25256075.